The following is an entry in ClinVar:

ClinVar aggregate classification (germline): Likely benign. Review status: criteria provided, multiple submitters, no conflicts (2 of 4 stars). 4 submissions from 4 submitters: Likely benign (2). 2 of the submissions do not count toward it. Last evaluated 2024-10-01.

Allele frequency attached by ClinVar (database versions not stated): ESP Exome Variant Server 0.00078; gnomAD 0.00083 and 0.00118; gnomAD exomes 0.00220; ExAC 0.00239; 1000 Genomes Project 0.00479; 1000 Genomes Project 30x 0.00484.
gnomAD v4.1: 2,133 of 1,587,672 alleles (0.13%); highest among the groups gnomAD compares: Middle Eastern, 0.94%; 165 homozygotes.

Submissions (4):

CeGaT Center for Human Genetics Tuebingen
Classification: Likely benign. Last evaluated: 2024-10-01. Review status: criteria provided, single submitter. Criteria: CeGaT Center For Human Genetics Tuebingen Variant Classification Criteria Version 2. Collection method: clinical testing. Allele origin: germline. Affected: yes. Observed: 4 variant alleles.
Comment: C4A: BP4, BS2

Breakthrough Genomics
Classification: Likely benign. Review status: criteria provided, single submitter. Criteria: ACMG Guidelines, 2015. Collection method: not provided. Allele origin: germline. Inheritance: Autosomal recessive inheritance. Affected: yes.

Clinical Genetics DNA and cytogenetics Diagnostics Lab, Erasmus MC, Erasmus Medical Center
Classification: Likely benign. Review status: no assertion criteria provided. Collection method: clinical testing. Allele origin: germline. Affected: yes. Study: VKGL Data-share Consensus. Not counted in ClinVar's aggregate classification.

Genome Diagnostics Laboratory, University Medical Center Utrecht
Classification: Likely benign. Review status: no assertion criteria provided. Collection method: clinical testing. Allele origin: germline. Affected: yes. Study: VKGL Data-share Consensus. Not counted in ClinVar's aggregate classification.

NM_007293.3(C4A):c.3358C>A (p.Pro1120Thr)

Gene: C4A (complement C4A (Chido/Rodgers blood group); plus strand). Cytogenetic location: 6p21.33.
Variant type: single nucleotide variant.
Coding change: c.3358C>A on transcript NM_007293.3 (MANE Select); coding-DNA position 3358, C replaced by A.
Protein change: p.Pro1120Thr; replaces proline 1120 with threonine.
Molecular consequence: missense variant.
Genome position (GRCh38, 1-based): chr6:31,996,082, C>A. VCF-style: chr6-31996082-C-A. GRCh37 (hg19) VCF-style: chr6-31963859-C-A.
Other names: c.3358C>A, p.Pro1120Thr (NM_001252204.2); short protein forms P1120T.
Identifiers: ClinVar variation 1284986 (VCV001284986.26), dbSNP rs201206908, ClinGen allele CA3731005.